The following is an entry in ClinVar:

ClinVar aggregate classification (germline): Pathogenic (1 of 4 stars; one submission).

Conditions:
PRPH2-related disorder. Also called: PRPH2-related condition; PRPH2-related disorders. Identifiers: MedGen CN239395.

Submission:

Labcorp Genetics (formerly Invitae), Labcorp
Classification: Pathogenic for PRPH2-related disorder. Last evaluated: 2022-10-08. Review status: criteria provided, single submitter. Criteria: Invitae Variant Classification Sherloc (09022015). Collection method: clinical testing. Allele origin: germline.
Comment: This variant is a gross deletion of the genomic region encompassing exon(s) 1 of the PRPH2 gene, which includes the initiator codon. This deletion extends beyond the assayed region for this gene and therefore may encompass additional genes. It is expected to result in an absent or disrupted protein product. Loss-of-function variants in PRPH2 are known to be pathogenic (PMID: 8111389, 8485575, 8485576, 8675410, 16916875, 17504850, 22863181, 25675413, 26061163, 27365499, 29555955, 33546218). A similar copy number variant has been observed in individual(s) with cone and cone-rod dystrophy (PMID: 26103963). For these reasons, this variant has been classified as Pathogenic.

Literature cited by the submitters: PubMed 8111389; PubMed 8485575; PubMed 8485576; PubMed 8675410; PubMed 16916875; PubMed 17504850; PubMed 22863181; PubMed 25675413; PubMed 26061163; PubMed 27365499; PubMed 29555955; PubMed 33546218; PubMed 26103963.

NC_000006.11:g.(?_42689472)_(42690072_?)del

Gene: PRPH2 (peripherin 2; minus strand). Cytogenetic location: 6p21.1.
Variant type: Deletion.
Identifiers: ClinVar variation 2422889 (VCV002422889.3).